The following is an entry in ClinVar:

ClinVar aggregate classification (germline): Likely benign (0 of 4 stars; one submission).

Conditions:
FANCC-related disorder. Also called: FANCC-related condition.

gnomAD v4.1: 3 of 1,613,678 alleles (0.00019%); highest among the groups gnomAD compares: African/African-American, 0.004%; no homozygotes.

Submission:

PreventionGenetics, part of Exact Sciences
Classification: Likely benign for FANCC-related condition. Last evaluated: 2024-05-29. Review status: no assertion criteria provided. Collection method: clinical testing. Allele origin: germline.
Comment: This variant is classified as likely benign based on ACMG/AMP sequence variant interpretation guidelines (Richards et al. 2015 PMID: 25741868, with internal and published modifications).

NM_000136.3(FANCC):c.*4G>A

Genes: AOPEP (aminopeptidase O (putative); plus strand), FANCC (FA complementation group C; minus strand). Cytogenetic location: 9q22.32.
Variant type: single nucleotide variant.
Coding change: c.*4G>A on transcript NM_000136.3 (MANE Select); 4 bases downstream of the stop codon, G replaced by A.
Molecular consequence: 3 prime UTR variant.
Genome position (GRCh38, 1-based): chr9:95,101,703, C>T on the plus strand (G>A on the coding strand, the complement: FANCC is on the minus strand). VCF-style: chr9-95101703-C-T. GRCh37 (hg19) VCF-style: chr9-97863985-C-T.
Other names: c.*4G>A (NM_001243743.2).
Identifiers: ClinVar variation 3348881 (VCV003348881.1).